The following is an entry in ClinVar:

ClinVar aggregate classification (germline): Benign/Likely benign. Review status: criteria provided, multiple submitters, no conflicts (2 of 4 stars). 9 submissions from 9 submitters: Benign (6); Likely benign (2). 1 of the submissions does not count toward it. Last evaluated 2026-02-02.

Conditions:
Primary ciliary dyskinesia. Also called: Ciliary dyskinesia. Identifiers: Orphanet 244, MedGen C0008780, MONDO:0016575, HP:0012265.

Allele frequency attached by ClinVar (database versions not stated): ESP Exome Variant Server 0.00038; TOPMed 0.00343; gnomAD 0.00575 and 0.00771; gnomAD exomes 0.01536; 1000 Genomes Project 30x 0.02155; 1000 Genomes Project 0.02157.
gnomAD v4.1: 10,555 of 1,614,238 alleles (0.65%); highest among the groups gnomAD compares: East Asian, 6%; 278 homozygotes.

Submissions (9):

Labcorp Genetics (formerly Invitae), Labcorp
Classification: Benign for Primary ciliary dyskinesia. Last evaluated: 2026-02-02. Review status: criteria provided, single submitter. Criteria: Invitae Variant Classification Sherloc (09022015). Collection method: clinical testing. Allele origin: germline.

Mayo Clinic Laboratories, Mayo Clinic
Classification: Benign. Last evaluated: 2025-02-20. Review status: criteria provided, single submitter. Criteria: ACMG Guidelines, 2015. Collection method: clinical testing. Allele origin: germline. Observed: 1 variant allele.

Blueprint Genetics
Classification: Likely benign. Last evaluated: 2024-11-27. Review status: criteria provided, single submitter. Criteria: ACMG Guidelines, 2015. Collection method: clinical testing. Allele origin: germline.

GeneDx
Classification: Benign. Last evaluated: 2021-05-23. Review status: criteria provided, single submitter. Criteria: GeneDx Variant Classification Process June 2021. Collection method: clinical testing. Allele origin: germline. Affected: yes.

Ambry Genetics
Classification: Benign for Primary ciliary dyskinesia. Last evaluated: 2015-01-02. Review status: criteria provided, single submitter. Criteria: Ambry Variant Classification Scheme 2023. Collection method: clinical testing. Allele origin: germline.

Laboratory for Molecular Medicine, Mass General Brigham Personalized Medicine
Classification: Benign. Last evaluated: 2013-02-21. Review status: criteria provided, single submitter. Criteria: LMM Criteria. Collection method: clinical testing. Allele origin: germline. Observed: 1 variant allele.
Comment: Thr535Asn in exon 17 of DNAI1: This variant is not expected to have clinical sig nificance because it has been identified in 5.9% (11/186) of Finnish chromosomes from a broad population by the 1000 Genomes Project (v/projects/SNP; dbSNP rs76334696).

Breakthrough Genomics
Classification: Likely benign. Review status: criteria provided, single submitter. Criteria: ACMG Guidelines, 2015. Collection method: not provided. Allele origin: germline. Inheritance: Autosomal recessive inheritance. Affected: yes.

PreventionGenetics, part of Exact Sciences
Classification: Benign. Review status: criteria provided, single submitter. Criteria: ACMG Guidelines, 2015. Collection method: clinical testing. Allele origin: germline.

Natera, Inc.
Classification: Benign for Primary ciliary dyskinesia. Last evaluated: 2020-09-16. Review status: no assertion criteria provided. Collection method: clinical testing. Allele origin: germline. Not counted in ClinVar's aggregate classification.

NM_012144.4(DNAI1):c.1604C>A (p.Thr535Asn)

Gene: DNAI1 (dynein axonemal intermediate chain 1; plus strand). Cytogenetic location: 9p13.3.
Variant type: single nucleotide variant.
Coding change: c.1604C>A on transcript NM_012144.4 (MANE Select); coding-DNA position 1604, C replaced by A.
Protein change: p.Thr535Asn; replaces threonine 535 with asparagine.
Molecular consequence: missense variant.
Genome position (GRCh38, 1-based): chr9:34,514,428, C>A. VCF-style: chr9-34514428-C-A. GRCh37 (hg19) VCF-style: chr9-34514426-C-A.
Other names: c.1616C>A, p.Thr539Asn (NM_001281428.2); short protein forms T535N, T539N.
Identifiers: ClinVar variation 178763 (VCV000178763.27), dbSNP rs76334696, ClinGen allele CA182960.
Genomic context (GRCh38, chr9:34,514,428, plus strand): 5'-CTGACCCCCGTTCCCTCCCCGACCAGTGCTCTAAATCCTACTCCAGCCAATTCCTCGACA[C>A]CTATGACGCCCACAACATGTCAGTGGACACTGTGTCCTGGAACCCATACCACACCAAGGT-3'
Protein context (NP_036276.1, residues 525-545): SKSYSSQFLD[Thr535Asn]YDAHNMSVDT